The following is an entry in ClinVar:

NM_001035.3(RYR2):c.10555-2A>G

Gene: RYR2 (ryanodine receptor 2; plus strand). Cytogenetic location: 1q43.
Variant type: single nucleotide variant.
Coding change: c.10555-2A>G on transcript NM_001035.3 (MANE Select); the canonical splice acceptor site of the intron before coding-DNA position 10555, A replaced by G.
Molecular consequence: splice acceptor variant.
Genome position (GRCh38, 1-based): chr1:237,723,126, A>G. VCF-style: chr1-237723126-A-G. GRCh37 (hg19) VCF-style: chr1-237886426-A-G.
Identifiers: ClinVar variation 2890962 (VCV002890962.3), dbSNP rs1251118085, ClinGen allele CA345415863.

ClinVar aggregate classification (germline): Uncertain significance (1 of 4 stars; one submission).

Conditions:
Catecholaminergic polymorphic ventricular tachycardia 1. Also called: RYR2-Related Catecholaminergic Polymorphic Ventricular Tachycardia; VENTRICULAR TACHYCARDIA, CATECHOLAMINERGIC POLYMORPHIC, 1, WITH OR WITHOUT ATRIAL DYSFUNCTION AND/OR DILATED CARDIOMYOPATHY; VENTRICULAR TACHYCARDIA, STRESS-INDUCED POLYMORPHIC 1. Identifiers: Orphanet 3286, MedGen C1631597, MONDO:0011484, OMIM 604772.

Allele frequency attached by ClinVar (database versions not stated): TOPMed below 0.00001.

Submission:

Labcorp Genetics (formerly Invitae), Labcorp
Classification: Uncertain significance for Catecholaminergic polymorphic ventricular tachycardia 1. Last evaluated: 2023-11-10. Review status: criteria provided, single submitter. Criteria: Invitae Variant Classification Sherloc (09022015). Collection method: clinical testing. Allele origin: germline.
Comment: This sequence change affects an acceptor splice site in intron 73 of the RYR2 gene. It is expected to disrupt RNA splicing. Variants that disrupt the donor or acceptor splice site typically lead to a loss of protein function (PMID: 16199547), however the current clinical and genetic evidence is not sufficient to establish whether loss-of-function variants in RYR2 cause disease. This variant is not present in population databases (gnomAD no frequency). This variant has not been reported in the literature in individuals affected with RYR2-related conditions. Algorithms developed to predict the effect of sequence changes on RNA splicing suggest that this variant may disrupt the consensus splice site. In summary, the available evidence is currently insufficient to determine the role of this variant in disease. Therefore, it has been classified as a Variant of Uncertain Significance.

Literature cited by the submitters: PubMed 16199547.